The following is an entry in ClinVar:

NM_000090.4(COL3A1):c.2511C>T (p.Gly837=)

Gene: COL3A1 (collagen type III alpha 1 chain; plus strand). Cytogenetic location: 2q32.2.
Variant type: single nucleotide variant.
Coding change: c.2511C>T on transcript NM_000090.4 (MANE Select); coding-DNA position 2511, C replaced by T.
Protein change: p.Gly837=; no amino-acid change (glycine 837 retained).
Molecular consequence: synonymous variant.
Genome position (GRCh38, 1-based): chr2:189,003,020, C>T. VCF-style: chr2-189003020-C-T. GRCh37 (hg19) VCF-style: chr2-189867746-C-T.
Identifiers: ClinVar variation 3074907 (VCV003074907.3), dbSNP rs1157152697, ClinGen allele CA430311362.

ClinVar aggregate classification (germline): Likely benign. Review status: criteria provided, multiple submitters, no conflicts (2 of 4 stars). 3 submissions from 3 submitters: Likely benign (3). Last evaluated 2025-07-30.

Conditions:
Familial thoracic aortic aneurysm and aortic dissection (TAAD). Also called: Thoracic aortic aneurysms and dissections. Identifiers: Orphanet 91387, MedGen C4707243, MONDO:0019625.
Ehlers-Danlos syndrome, type 4 (EDSVASC). Also called: Ehlers-Danlos Syndrome Type IV; Ehlers-Danlos syndrome vascular type; Ehlers Danlos syndrome, ecchymotic type; Ehlers Danlos syndrome, arterial type; Ehlers Danlos syndrome, Sack-Barabas type. Identifiers: Orphanet 286, MedGen C0268338, MONDO:0017314, OMIM 130050.

Submissions (3):

Ambry Genetics
Classification: Likely benign for Familial thoracic aortic aneurysm and aortic dissection. Last evaluated: 2025-07-30. Review status: criteria provided, single submitter. Criteria: Ambry Variant Classification Scheme 2023. Collection method: clinical testing. Allele origin: germline.

All of Us Research Program, National Institutes of Health
Classification: Likely benign for Ehlers-Danlos syndrome, type 4. Last evaluated: 2023-12-13. Review status: criteria provided, single submitter. Criteria: ACMG Guidelines, 2015. Collection method: clinical testing. Allele origin: germline. Inheritance: Autosomal dominant inheritance. Observed: 1 variant allele, 1 heterozygote.
Comment: This study involves interpretation of variants in research participants for the purpose of population health screening. Participant phenotype was not available at the time of variant classification. Additional details can be found in publication PMID: 35346344, PMCID: PMC8962531

Color Diagnostics, LLC DBA Color Health
Classification: Likely benign for Familial thoracic aortic aneurysm and aortic dissection. Last evaluated: 2022-11-06. Review status: criteria provided, single submitter. Criteria: ACMG Guidelines, 2015. Collection method: clinical testing. Allele origin: germline.